The following is an entry in ClinVar:

ClinVar aggregate classification (germline): Uncertain significance. Review status: criteria provided, multiple submitters, no conflicts (2 of 4 stars). 2 submissions from 2 submitters: Uncertain significance (2). Last evaluated 2023-09-14.

Conditions:
Inborn genetic diseases. Identifiers: MedGen C0950123, MeSH D030342.

Allele frequency attached by ClinVar (database versions not stated): gnomAD exomes 0.00002 and 0.00008; TOPMed 0.00002; gnomAD 0.00003; ExAC 0.00007.
gnomAD v4.1: 29 of 1,612,870 alleles (0.0018%); highest among the groups gnomAD compares: East Asian, 0.033%; no homozygotes.

Submissions (2):

Ambry Genetics
Classification: Uncertain significance for Inborn genetic diseases. Last evaluated: 2023-09-14. Review status: criteria provided, single submitter. Criteria: Ambry Variant Classification Scheme 2023. Collection method: clinical testing. Allele origin: germline.

Labcorp Genetics (formerly Invitae), Labcorp
Classification: Uncertain significance. Last evaluated: 2023-08-19. Review status: criteria provided, single submitter. Criteria: Invitae Variant Classification Sherloc (09022015). Collection method: clinical testing. Allele origin: germline.
Comment: This sequence change replaces arginine, which is basic and polar, with glutamine, which is neutral and polar, at codon 548 of the ADAMTS18 protein (p.Arg548Gln). This variant is present in population databases (rs750108135, gnomAD 0.1%). This variant has not been reported in the literature in individuals affected with ADAMTS18-related conditions. ClinVar contains an entry for this variant (Variation ID: 1026016). An algorithm developed to predict the effect of missense changes on protein structure and function (PolyPhen-2) suggests that this variant¬†is likely to be tolerated. In summary, the available evidence is currently insufficient to determine the role of this variant in disease. Therefore, it has been classified as a Variant of Uncertain Significance.

NM_199355.4(ADAMTS18):c.1643G>A (p.Arg548Gln)

Gene: ADAMTS18 (ADAM metallopeptidase with thrombospondin type 1 motif 18; minus strand). Cytogenetic location: 16q23.1.
Variant type: single nucleotide variant.
Coding change: c.1643G>A on transcript NM_199355.4 (MANE Select); coding-DNA position 1643, G replaced by A.
Protein change: p.Arg548Gln; replaces arginine 548 with glutamine.
Molecular consequence: missense variant.
Genome position (GRCh38, 1-based): chr16:77,341,771, C>T on the plus strand (G>A on the coding strand, the complement: ADAMTS18 is on the minus strand). VCF-style: chr16-77341771-C-T. GRCh37 (hg19) VCF-style: chr16-77375668-C-T.
Other names: c.1127G>A, p.Arg376Gln (NM_001326358.2); c.1643G>A (NM_199355.2); short protein forms R376Q, R548Q.
Identifiers: ClinVar variation 1026016 (VCV001026016.6), dbSNP rs750108135, ClinGen allele CA8181222.